The following is an entry in ClinVar:

NM_052947.4(ALPK2):c.6427C>T (p.Pro2143Ser)

Gene: ALPK2 (alpha kinase 2; minus strand). Cytogenetic location: 18q21.31.
Variant type: single nucleotide variant.
Coding change: c.6427C>T on transcript NM_052947.4 (MANE Select); coding-DNA position 6427, C replaced by T.
Protein change: p.Pro2143Ser; replaces proline 2143 with serine.
Molecular consequence: missense variant.
Genome position (GRCh38, 1-based): chr18:58,481,909, G>A on the plus strand (C>T on the coding strand, the complement: ALPK2 is on the minus strand). VCF-style: chr18-58481909-G-A. GRCh37 (hg19) VCF-style: chr18-56149141-G-A.
Other names: short protein forms P2143S.
Identifiers: ClinVar variation 2449301 (VCV002449301.2), dbSNP rs2518842633, ClinGen allele CA402538482.
Genomic context (GRCh38, chr18:58,481,909, plus strand): 5'-CAGGCCCTGCCTTCTTTATTGTCATAGAGTTTGTTTGAACTTTGCTTTTCCCAATGCTCG[G>A]CTGCTTCTGTTTCTGGTTGTTGTTTTGAAGGGATTTCAGTCCCAGCATTTTGCAATACTT-3'
Protein context (NP_443179.3, residues 2133-2153): LQNNNQKQKQ[Pro2143Ser]SIGKSKVQTN

ClinVar aggregate classification (germline): Uncertain significance (1 of 4 stars; one submission).

Allele frequency attached by ClinVar (database versions not stated): gnomAD exomes below 0.00001.
gnomAD v4.1: 1 of 1,614,130 alleles (0.000062%); highest among the groups gnomAD compares: Non-Finnish European, 0.000085%; no homozygotes.

Submission:

Ambry Genetics
Classification: Uncertain significance. Last evaluated: 2023-02-28. Review status: criteria provided, single submitter. Criteria: Ambry Variant Classification Scheme 2023. Collection method: clinical testing. Allele origin: germline.
Comment: The p.P2143S variant (also known as c.6427C>T), located in coding exon 12 of the ALPK2 gene, results from a C to T substitution at nucleotide position 6427. The proline at codon 2143 is replaced by serine, an amino acid with similar properties. This amino acid position is conserved. In addition, this alteration is predicted to be tolerated by in silico analysis. Since supporting evidence is limited at this time, the clinical significance of this alteration remains unclear.